The following is an entry in ClinVar:

NM_006231.4(POLE):c.3387T>C (p.Asp1129=)

Gene: POLE (DNA polymerase epsilon, catalytic subunit; minus strand). Cytogenetic location: 12q24.33.
Variant type: single nucleotide variant.
Coding change: c.3387T>C on transcript NM_006231.4 (MANE Select); coding-DNA position 3387, T replaced by C.
Protein change: p.Asp1129=; no amino-acid change (aspartic acid 1129 retained).
Molecular consequence: synonymous variant.
Genome position (GRCh38, 1-based): chr12:132,657,421, A>G on the plus strand (T>C on the coding strand, the complement: POLE is on the minus strand). VCF-style: chr12-132657421-A-G. GRCh37 (hg19) VCF-style: chr12-133234007-A-G.
Identifiers: ClinVar variation 413514 (VCV000413514.18), dbSNP rs371357642, ClinGen allele CA16613813.
Genomic context (GRCh38, chr12:132,657,421, plus strand): 5'-CGCAGGGATGGTGATGATCTTCTGGATGGCGCTTCCCAGCCGCTCAATGTAGTAGTCCCA[A>G]TCCAGAATCTGCATGTGCAGGAAACGGGCACAGAGAACAGCAGGTGGCAGCAGCCAAGAG-3'
Protein context (NP_006222.2, residues 1119-1139): LQDFDIRAIL[Asp1129=]WDYYIERLGS

ClinVar aggregate classification (germline): Likely benign. Review status: criteria provided, multiple submitters, no conflicts (2 of 4 stars). 4 submissions from 4 submitters: Likely benign (4). Last evaluated 2026-01-15.

Conditions:
Hereditary cancer-predisposing syndrome. Also called: Neoplastic Syndromes, Hereditary; Tumor predisposition; Hereditary Cancer Syndrome; Hereditary neoplastic syndrome. Identifiers: Orphanet 140162, MedGen C0027672, MeSH D009386, MONDO:0015356.

Allele frequency attached by ClinVar (database versions not stated): gnomAD exomes below 0.00001 and 0.00001; TOPMed 0.00001; ESP Exome Variant Server 0.00008.
gnomAD v4.1: 18 of 1,614,100 alleles (0.0011%); highest among the groups gnomAD compares: African/African-American, 0.0013%; no homozygotes.

Submissions (4):

Labcorp Genetics (formerly Invitae), Labcorp
Classification: Likely benign. Last evaluated: 2026-01-15. Review status: criteria provided, single submitter. Criteria: Invitae Variant Classification Sherloc (09022015). Collection method: clinical testing. Allele origin: germline.

Sema4
Classification: Likely benign for Hereditary cancer-predisposing syndrome. Last evaluated: 2021-03-02. Review status: criteria provided, single submitter. Criteria: Sema4 Curation Guidelines. Collection method: curation. Allele origin: germline.

GeneDx
Classification: Likely benign. Last evaluated: 2018-05-02. Review status: criteria provided, single submitter. Criteria: GeneDx Variant Classification (06012015). Collection method: clinical testing. Allele origin: germline. Affected: yes.
Comment: This variant is considered likely benign or benign based on one or more of the following criteria: it is a conservative change, it occurs at a poorly conserved position in the protein, it is predicted to be benign by multiple in silico algorithms, and/or has population frequency not consistent with disease.

Ambry Genetics
Classification: Likely benign for Hereditary cancer-predisposing syndrome. Last evaluated: 2016-04-19. Review status: criteria provided, single submitter. Criteria: Ambry Variant Classification Scheme 2023. Collection method: clinical testing. Allele origin: germline.